The following is an entry in ClinVar:

NM_006660.5(CLPX):c.1271A>G (p.Asn424Ser)

Gene: CLPX (caseinolytic mitochondrial matrix peptidase chaperone subunit X; minus strand). Cytogenetic location: 15q22.31.
Variant type: single nucleotide variant.
Coding change: c.1271A>G on transcript NM_006660.5 (MANE Select); coding-DNA position 1271, A replaced by G.
Protein change: p.Asn424Ser; replaces asparagine 424 with serine.
Molecular consequence: missense variant. On other transcripts: non-coding transcript variant (1).
Genome position (GRCh38, 1-based): chr15:65,155,732, T>C on the plus strand (A>G on the coding strand, the complement: CLPX is on the minus strand). VCF-style: chr15-65155732-T-C. GRCh37 (hg19) VCF-style: chr15-65448070-T-C.
Other names: c.1271A>G (NM_006660.3); short protein forms N424S.
Identifiers: ClinVar variation 2171743 (VCV002171743.7), dbSNP rs147893822, ClinGen allele CA7614686.

ClinVar aggregate classification (germline): Uncertain significance. Review status: criteria provided, multiple submitters, no conflicts (2 of 4 stars). 2 submissions from 2 submitters: Uncertain significance (2). Last evaluated 2025-03-27.

Allele frequency attached by ClinVar (database versions not stated): TOPMed 0.00008; gnomAD 0.00011; ESP Exome Variant Server 0.00015; 1000 Genomes Project 0.00020; 1000 Genomes Project 30x 0.00031.
gnomAD v4.1: 217 of 1,614,118 alleles (0.013%); highest among the groups gnomAD compares: South Asian, 0.052%; no homozygotes.

Submissions (2):

Ambry Genetics
Classification: Uncertain significance. Last evaluated: 2025-03-27. Review status: criteria provided, single submitter. Criteria: Ambry Variant Classification Scheme 2023. Collection method: clinical testing. Allele origin: germline.

Labcorp Genetics (formerly Invitae), Labcorp
Classification: Uncertain significance. Last evaluated: 2024-04-07. Review status: criteria provided, single submitter. Criteria: Invitae Variant Classification Sherloc (09022015). Collection method: clinical testing. Allele origin: germline.
Comment: This sequence change replaces asparagine, which is neutral and polar, with serine, which is neutral and polar, at codon 424 of the CLPX protein (p.Asn424Ser). This variant is present in population databases (rs147893822, gnomAD 0.06%), and has an allele count higher than expected for a pathogenic variant. This variant has not been reported in the literature in individuals affected with CLPX-related conditions. ClinVar contains an entry for this variant (Variation ID: 2171743). Advanced modeling of protein sequence and biophysical properties (such as structural, functional, and spatial information, amino acid conservation, physicochemical variation, residue mobility, and thermodynamic stability) performed at Invitae indicates that this missense variant is not expected to disrupt CLPX protein function with a negative predictive value of 80%. In summary, the available evidence is currently insufficient to determine the role of this variant in disease. Therefore, it has been classified as a Variant of Uncertain Significance.